The following is an entry in ClinVar:

ClinVar aggregate classification (germline): Likely pathogenic (1 of 4 stars; one submission).

Conditions:
ATP1A3-related disorder. Also called: ATP1A3-related condition; ATP1A3-related disorders. Identifiers: MedGen CN381097.

Submission:

Women's Health and Genetics/Laboratory Corporation of America, LabCorp
Classification: Likely pathogenic for ATP1A3-Related Disorders. Last evaluated: 2022-10-04. Review status: criteria provided, single submitter. Criteria: LabCorp Variant Classification Summary - May 2015. Collection method: clinical testing. Allele origin: germline.
Comment: Variant summary: ATP1A3 c.820A>T (p.Ile274Phe) results in a non-conservative amino acid change in the encoded protein sequence. Four of five in-silico tools predict a damaging effect of the variant on protein function. The variant was absent in 249984 control chromosomes. The available data on variant occurrences in the general population are insufficient to allow any conclusion about variant significance. To our knowledge, no occurrence of c.820A>T in individuals affected with ATP1A3-Related Disorders and no experimental evidence demonstrating its impact on protein function have been reported. Two other variants impacting the same codon have been reported in association with Alternating hemiplegia of childhood and Dystonia-parkinsonism, rapid-onset in HGMD (Ile274Asn, Ile274Thr, respectively). Additionally, the variant is located in one of five clusters of mutations observed based on clinical data from an international cohort of AHC patients (Panagiotakaki_2015), indicating the variant to be in a hotspot region. No clinical diagnostic laboratories have submitted clinical-significance assessments for this variant to ClinVar after 2014. Based on the evidence outlined above, the variant was classified as likely pathogenic.

NM_152296.5(ATP1A3):c.820A>T (p.Ile274Phe)

Gene: ATP1A3 (ATPase Na+/K+ transporting subunit alpha 3; minus strand). Cytogenetic location: 19q13.2.
Variant type: single nucleotide variant.
Coding change: c.820A>T on transcript NM_152296.5 (MANE Select); coding-DNA position 820, A replaced by T.
Protein change: p.Ile274Phe; replaces isoleucine 274 with phenylalanine.
Molecular consequence: missense variant.
Genome position (GRCh38, 1-based): chr19:41,985,091, T>A on the plus strand (A>T on the coding strand, the complement: ATP1A3 is on the minus strand). VCF-style: chr19-41985091-T-A. GRCh37 (hg19) VCF-style: chr19-42489243-T-A.
Other names: c.853A>T, p.Ile285Phe (NM_001256213.2); c.859A>T, p.Ile287Phe (NM_001256214.2); short protein forms I274F, I285F, I287F.
Identifiers: ClinVar variation 1723451 (VCV001723451.1), dbSNP rs879975642, ClinGen allele CA406052972.